The following is an entry in ClinVar:

ClinVar aggregate classification (germline): Benign. Review status: criteria provided, multiple submitters, no conflicts (2 of 4 stars). 9 submissions from 9 submitters: Benign (9). Last evaluated 2026-02-04.

Conditions:
Glycogen storage disease type III (GSD3). Also called: FORBES DISEASE; Cori disease. Identifiers: Orphanet 366, MedGen C0017922, MONDO:0009291, OMIM 232400.

Allele frequency attached by ClinVar (database versions not stated): gnomAD exomes 0.70981; ExAC 0.73142; gnomAD 0.73439 and 0.73702; 1000 Genomes Project 0.74341; ESP Exome Variant Server 0.74831; TOPMed 0.74999.

Submissions (9):

Labcorp Genetics (formerly Invitae), Labcorp
Classification: Benign for Glycogen storage disease type III. Last evaluated: 2026-02-04. Review status: criteria provided, single submitter. Criteria: Invitae Variant Classification Sherloc (09022015). Collection method: clinical testing. Allele origin: germline.

Blueprint Genetics
Classification: Benign. Last evaluated: 2024-11-26. Review status: criteria provided, single submitter. Criteria: ACMG Guidelines, 2015. Collection method: clinical testing. Allele origin: germline.

Mayo Clinic Laboratories, Mayo Clinic
Classification: Benign. Last evaluated: 2022-05-05. Review status: criteria provided, single submitter. Criteria: ACMG Guidelines, 2015. Collection method: clinical testing. Allele origin: germline. Observed: 681 variant alleles.

Fulgent Genetics
Classification: Benign for Glycogen storage disease type III. Last evaluated: 2021-07-29. Review status: criteria provided, single submitter. Criteria: ACMG Guidelines, 2015. Collection method: clinical testing. Allele origin: unknown.

Genome-Nilou Lab
Classification: Benign for Glycogen storage disease type III. Last evaluated: 2021-07-15. Review status: criteria provided, single submitter. Criteria: ACMG Guidelines, 2015. Collection method: clinical testing. Allele origin: germline. Affected: no.

Women's Health and Genetics/Laboratory Corporation of America, LabCorp
Classification: Benign. Last evaluated: 2016-08-08. Review status: criteria provided, single submitter. Criteria: LabCorp Variant Classification Summary - May 2015. Collection method: clinical testing. Allele origin: germline.
Comment: Variant summary: The AGL c.959-18G>A variant involves the alteration of a non-conserved intronic nucleotide. One in silico tool predicts a benign outcome for this variant. This variant was found in 84126/115018 control chromosomes (30465 homozygotes) at a frequency of 0.731416, which is approximately 320 times the estimated maximal expected allele frequency of a pathogenic AGL variant (0.0022822), suggesting this variant is likely a benign polymorphism. The variant of interest has not, to our knowledge, been reported in affected individuals via publications and/or reputable databases/clinical diagnostic laboratories; nor evaluated for functional impact by in vivo/vitro studies. Taken together, this variant is classified as benign.

GeneDx
Classification: Benign. Last evaluated: 2015-12-02. Review status: criteria provided, single submitter. Criteria: GeneDx Variant Classification (06012015). Collection method: clinical testing. Allele origin: germline. Affected: yes.
Comment: This variant is considered likely benign or benign based on one or more of the following criteria: it is a conservative change, it occurs at a poorly conserved position in the protein, it is predicted to be benign by multiple in silico algorithms, and/or has population frequency not consistent with disease.

Breakthrough Genomics
Classification: Benign. Review status: criteria provided, single submitter. Criteria: ACMG Guidelines, 2015. Collection method: not provided. Allele origin: germline. Inheritance: Autosomal recessive inheritance. Affected: yes.

PreventionGenetics, part of Exact Sciences
Classification: Benign. Review status: criteria provided, single submitter. Criteria: ACMG Guidelines, 2015. Collection method: clinical testing. Allele origin: germline.

NM_000642.3(AGL):c.959-18G>A

Gene: AGL (amylo-alpha-1,6-glucosidase and 4-alpha-glucanotransferase; plus strand). Cytogenetic location: 1p21.2.
Variant type: single nucleotide variant.
Coding change: c.959-18G>A on transcript NM_000642.3 (MANE Select); 18 bases into the intron before coding-DNA position 959, G replaced by A.
Molecular consequence: intron variant.
Genome position (GRCh38, 1-based): chr1:99,874,669, G>A. VCF-style: chr1-99874669-G-A. GRCh37 (hg19) VCF-style: chr1-100340225-G-A.
Other names: p.?; c.959-18G>A (NM_000643.3, NM_000644.3, NM_001425326.1 and 3 more transcripts); c.911-18G>A (NM_000646.3); c.755-18G>A (NM_001425328.1, NM_001425329.1); c.581-18G>A (NM_001425332.1).
Identifiers: ClinVar variation 256751 (VCV000256751.18), dbSNP rs634880, ClinGen allele CA966335.